The following is an entry in ClinVar:

NM_002109.6(HARS1):c.241A>T (p.Ile81Phe)

Gene: HARS1 (histidyl-tRNA synthetase 1; minus strand). Cytogenetic location: 5q31.3.
Variant type: single nucleotide variant.
Coding change: c.241A>T on transcript NM_002109.6 (MANE Select); coding-DNA position 241, A replaced by T.
Protein change: p.Ile81Phe; replaces isoleucine 81 with phenylalanine.
Molecular consequence: missense variant. On other transcripts: intron variant (3).
Genome position (GRCh38, 1-based): chr5:140,683,159, T>A on the plus strand (A>T on the coding strand, the complement: HARS1 is on the minus strand). VCF-style: chr5-140683159-T-A. GRCh37 (hg19) VCF-style: chr5-140062744-T-A.
Other names: c.241A>T, p.Ile81Phe (NM_001258041.3, NM_001289092.2); c.154A>T, p.Ile52Phe (NM_001289094.2); c.181-5144A>T (NM_001289093.2); c.181-3276A>T (NM_001258042.3, NM_001258040.3); c.241A>T (NM_002109.3); short protein forms I81F, I52F.
Identifiers: ClinVar variation 2832686 (VCV002832686.4), dbSNP rs1758821449, ClinGen allele CA361259149.
Genomic context (GRCh38, chr5:140,683,159, plus strand): 5'-CCTTTAGTTCAAATACAGGTGTATCAATGACTTCTGCACCGTGGCGCTTGAAGCAACGGA[T>A]GATTACGTCAAACACCTTCTCGCGAACTGCCATCTGCCGGGGACTATAGTCTCTTGTGCC-3'
Protein context (NP_002100.2, residues 71-91): AVREKVFDVI[Ile81Phe]RCFKRHGAEV

ClinVar aggregate classification (germline): Uncertain significance. Review status: criteria provided, multiple submitters, no conflicts (2 of 4 stars). 2 submissions from 2 submitters: Uncertain significance (2). Last evaluated 2025-09-28.

Conditions:
Usher syndrome type 3B. Also called: USHER SYNDROME, TYPE IIIB. Identifiers: MedGen C3281066, MONDO:0013788, OMIM 614504.

Allele frequency attached by ClinVar (database versions not stated): TOPMed below 0.00001; gnomAD 0.00001.

Submissions (2):

Ambry Genetics
Classification: Uncertain significance. Last evaluated: 2025-09-28. Review status: criteria provided, single submitter. Criteria: Ambry Variant Classification Scheme 2023. Collection method: clinical testing. Allele origin: germline.

Labcorp Genetics (formerly Invitae), Labcorp
Classification: Uncertain significance for Usher syndrome type 3B. Last evaluated: 2023-01-31. Review status: criteria provided, single submitter. Criteria: Invitae Variant Classification Sherloc (09022015). Collection method: clinical testing. Allele origin: germline.
Comment: In summary, the available evidence is currently insufficient to determine the role of this variant in disease. Therefore, it has been classified as a Variant of Uncertain Significance. Advanced modeling of protein sequence and biophysical properties (such as structural, functional, and spatial information, amino acid conservation, physicochemical variation, residue mobility, and thermodynamic stability) has been performed at Invitae for this missense variant, however the output from this modeling did not meet the statistical confidence thresholds required to predict the impact of this variant on HARS protein function. This variant has not been reported in the literature in individuals affected with HARS-related conditions. This variant is not present in population databases (gnomAD no frequency). This sequence change replaces isoleucine, which is neutral and non-polar, with phenylalanine, which is neutral and non-polar, at codon 81 of the HARS protein (p.Ile81Phe).